The following is an entry in ClinVar:

ClinVar aggregate classification (germline): Uncertain significance (1 of 4 stars; one submission).

Conditions:
POLD1-related polyposis and colorectal cancer syndrome (CRCS10). Also called: Colorectal cancer 10; COLORECTAL CANCER, SUSCEPTIBILITY TO, ON CHROMOSOME 19q; Colorectal cancer, susceptibility to, 10. Identifiers: Orphanet 220460, MedGen C2675481, MONDO:0012953, OMIM 612591.

Submission:

Labcorp Genetics (formerly Invitae), Labcorp
Classification: Uncertain significance for POLD1-related polyposis and colorectal cancer syndrome. Last evaluated: 2025-06-22. Review status: criteria provided, single submitter. Criteria: Invitae Variant Classification Sherloc (09022015). Collection method: clinical testing. Allele origin: germline.
Comment: This sequence change creates a premature translational stop signal (p.Gly178Argfs*74) in the POLD1 gene. Missense variants that disrupt the 3'-5' exonuclease (proof-reading) activity of the POLD1 protein are associated with PPAP (polymerase proofreading–associated polyposis) (PMID: 23263490, 23447401). However, loss-of-function variants that result in an absent or severely disrupted POLD1 protein, and missense variants outside the exonuclease domain, are unlikely to be associated with PPAP. This variant is not present in population databases (gnomAD no frequency). This variant has not been reported in the literature in individuals affected with POLD1-related conditions. ClinVar contains an entry for this variant (Variation ID: 3625218). In summary, the available evidence is currently insufficient to determine the role of this variant in disease. Therefore, it has been classified as a Variant of Uncertain Significance.

Literature cited by the submitters: PubMed 23263490; PubMed 23447401.

NM_002691.4(POLD1):c.531dup (p.Gly178fs)

Gene: POLD1 (DNA polymerase delta 1, catalytic subunit; plus strand). Cytogenetic location: 19q13.33.
Variant type: Duplication.
Coding change: c.531dup on transcript NM_002691.4 (MANE Select); coding-DNA position 531, one base duplicated (C; older notation c.531dupC).
Protein change: p.Gly178fs; shifts the reading frame from glycine 178.
Molecular consequence: frameshift variant. On other transcripts: non-coding transcript variant (1).
Genome position (GRCh38, 1-based): chr19:50,402,066, C duplicated. VCF-style (leftmost placement, unchanged base first): chr19-50402065-G-GC. GRCh37 (hg19) VCF-style: chr19-50905322-G-GC.
Other names: c.531dup, p.Gly178fs (NM_001256849.1, NM_001308632.1); short protein forms G178fs.
Identifiers: ClinVar variation 3625218 (VCV003625218.2).